The following is an entry in ClinVar:

ClinVar aggregate classification (germline): Benign/Likely benign. Review status: criteria provided, multiple submitters, no conflicts (2 of 4 stars). 6 submissions from 6 submitters: Benign (2); Likely benign (4). Last evaluated 2025-09-30.

Conditions:
WFS1-related disorder. Identifiers: MedGen CN379391, MONDO:0700293.
Wolfram syndrome 1 (WFS1). Identifiers: Orphanet 3463, MedGen C4551693, MONDO:0009101, OMIM 222300.

Allele frequency attached by ClinVar (database versions not stated): ExAC 0.00008; gnomAD exomes 0.00012 and 0.00024; ESP Exome Variant Server 0.00015; TOPMed 0.00015; 1000 Genomes Project 30x 0.00016; gnomAD 0.00018 and 0.00019; 1000 Genomes Project 0.00020.
gnomAD v4.1: 383 of 1,614,034 alleles (0.024%); highest among the groups gnomAD compares: Non-Finnish European, 0.03%; no homozygotes.

Submissions (6):

Labcorp Genetics (formerly Invitae), Labcorp
Classification: Likely benign. Last evaluated: 2025-09-30. Review status: criteria provided, single submitter. Criteria: Invitae Variant Classification Sherloc (09022015). Collection method: clinical testing. Allele origin: germline.

PreventionGenetics, part of Exact Sciences
Classification: Likely benign for WFS1-related condition. Last evaluated: 2025-07-14. Review status: criteria provided, single submitter. Criteria: ACMG Guidelines, 2015. Collection method: clinical testing. Allele origin: germline.
Comment: This variant is classified as likely benign based on ACMG/AMP sequence variant interpretation guidelines (Richards et al. 2015 PMID: 25741868, with internal and published modifications).

Blueprint Genetics
Classification: Likely benign. Last evaluated: 2024-01-03. Review status: criteria provided, single submitter. Criteria: ACMG Guidelines, 2015. Collection method: clinical testing. Allele origin: germline.

GeneDx
Classification: Benign. Last evaluated: 2015-03-31. Review status: criteria provided, single submitter. Criteria: GeneDx Variant Classification (06012015). Collection method: clinical testing. Allele origin: germline. Affected: yes.
Comment: This variant is considered likely benign or benign based on one or more of the following criteria: it is a conservative change, it occurs at a poorly conserved position in the protein, it is predicted to be benign by multiple in silico algorithms, and/or has population frequency not consistent with disease.

Laboratory for Molecular Medicine, Mass General Brigham Personalized Medicine
Classification: Likely benign. Last evaluated: 2012-04-30. Review status: criteria provided, single submitter. Criteria: LMM Criteria. Collection method: clinical testing. Allele origin: germline. Observed: 1 variant allele.
Comment: Thr641Thr in Exon 08 of WFS1: This variant is not expected to have clinical significance because it does not alter an amino acid residue, is not located within the splice consensus sequence, and has been identified in 2/7020 European American chromosomes from a broad population by the NHLBI Exome Sequencing Project (dbSNP rs139040290).

Clinical Genomics, Uppaluri K&H Personalized Medicine Clinic
Classification: Benign for Wolfram syndrome 1. Review status: criteria provided, single submitter. Criteria: K & H Uppaluri Personalized Medicine Clinic Variant Classification & Assertion Criteria_Updated V.1. Collection method: research. Allele origin: unknown. Inheritance: Autosomal recessive inheritance.
Comment: Potent mutations in WFS1 gene are associated with Wolfram's syndrome, an autosomal recessive condition, which cause diabetes mellitus, diabetes insipidus, deafness and optic atrophy. However no sufficient evidence is found to ascertain the role of this particular variant rs139040290 in Wolfram's syndrome yet.

Literature cited by the submitters: PubMed 20738327 (cited by Clinical Genomics, Uppaluri K&H Personalized Medicine Clinic); PubMed 33879153 (cited by Clinical Genomics, Uppaluri K&H Personalized Medicine Clinic); PubMed 12955714 (cited by Clinical Genomics, Uppaluri K&H Personalized Medicine Clinic); PubMed 18060660 (cited by Clinical Genomics, Uppaluri K&H Personalized Medicine Clinic); PubMed 20301750 (cited by Clinical Genomics, Uppaluri K&H Personalized Medicine Clinic); PubMed 17603484 (cited by Clinical Genomics, Uppaluri K&H Personalized Medicine Clinic).

NM_006005.3(WFS1):c.1923G>A (p.Thr641=)

Gene: WFS1 (wolframin ER transmembrane glycoprotein; plus strand). Cytogenetic location: 4p16.1.
Variant type: single nucleotide variant.
Coding change: c.1923G>A on transcript NM_006005.3 (MANE Select); coding-DNA position 1923, G replaced by A.
Protein change: p.Thr641=; no amino-acid change (threonine 641 retained).
Molecular consequence: synonymous variant.
Genome position (GRCh38, 1-based): chr4:6,301,718, G>A. VCF-style: chr4-6301718-G-A. GRCh37 (hg19) VCF-style: chr4-6303445-G-A.
Other names: c.1923G>A, p.Thr641= (NM_001145853.1).
Identifiers: ClinVar variation 378860 (VCV000378860.16), dbSNP rs139040290, ClinGen allele CA2839547.
Genomic context (GRCh38, chr4:6,301,718, plus strand): 5'-GGGGATGGTGAAGTCCCTGACGCGGAGCTCCATGGTCAAGCTCATCCTGGTGTGGCTCAC[G>A]GCCATCGTGCTGTTCTGCTGGTTCTATGTGTACCGCTCAGAGGGCATGAAGGTCTACAAC-3'
Protein context (NP_005996.2, residues 631-651): SMVKLILVWL[Thr641=]AIVLFCWFYV